The following is an entry in ClinVar:

NM_032043.3(BRIP1):c.2906-15T>C

Gene: BRIP1 (BRCA1 interacting DNA helicase 1; minus strand). Cytogenetic location: 17q23.2.
Variant type: single nucleotide variant.
Coding change: c.2906-15T>C on transcript NM_032043.3 (MANE Select); 15 bases into the intron before coding-DNA position 2906, T replaced by C.
Molecular consequence: intron variant.
Genome position (GRCh38, 1-based): chr17:61,684,155, A>G on the plus strand (T>C on the coding strand, the complement: BRIP1 is on the minus strand). VCF-style: chr17-61684155-A-G. GRCh37 (hg19) VCF-style: chr17-59761516-A-G.
Identifiers: ClinVar variation 2951703 (VCV002951703.4), dbSNP rs771068891, ClinGen allele CA626797173.

ClinVar aggregate classification (germline): Likely benign. Review status: criteria provided, multiple submitters, no conflicts (2 of 4 stars). 2 submissions from 2 submitters: Likely benign (2). Last evaluated 2024-09-09.

Conditions:
Familial cancer of breast. Also called: BREAST CANCER, FAMILIAL; hereditary breast carcinoma; Hereditary breast cancer. Identifiers: Orphanet 227535, MedGen C0346153, MONDO:0016419, OMIM 114480. Disease mechanism: loss of function.
Fanconi anemia complementation group J. Also called: BRIP1-Related Fanconi Anemia. Identifiers: Orphanet 84, MedGen C1836860, MONDO:0012187, OMIM 609054.

gnomAD v4.1: 1 of 1,611,212 alleles (0.000062%); highest among the groups gnomAD compares: Admixed American, 0.0017%; no homozygotes.

Submissions (2):

Myriad Genetics, Inc.
Classification: Likely benign for Familial cancer of breast. Last evaluated: 2024-09-09. Review status: criteria provided, single submitter. Criteria: Myriad Autosomal Dominant, Autosomal Recessive and X-Linked Classification Criteria (2023). Collection method: clinical testing. Allele origin: unknown.
Comment: This variant is considered likely benign. This variant is intronic and is not expected to impact mRNA splicing.

Labcorp Genetics (formerly Invitae), Labcorp
Classification: Likely benign for Familial cancer of breast; Fanconi anemia complementation group J. Last evaluated: 2022-11-03. Review status: criteria provided, single submitter. Criteria: Invitae Variant Classification Sherloc (09022015). Collection method: clinical testing. Allele origin: germline.